The following is an entry in ClinVar:

NM_006929.5(SKIC2):c.31C>G (p.Pro11Ala)

Gene: SKIC2 (SKI2 subunit of superkiller complex; plus strand). Cytogenetic location: 6p21.33.
Variant type: single nucleotide variant.
Coding change: c.31C>G on transcript NM_006929.5 (MANE Select); coding-DNA position 31, C replaced by G.
Protein change: p.Pro11Ala; replaces proline 11 with alanine.
Molecular consequence: missense variant.
Genome position (GRCh38, 1-based): chr6:31,959,305, C>G. VCF-style: chr6-31959305-C-G. GRCh37 (hg19) VCF-style: chr6-31927082-C-G.
Other names: c.31C>G (NM_006929.4); short protein forms P11A.
Identifiers: ClinVar variation 1484770 (VCV001484770.8), dbSNP rs563036739, ClinGen allele CA3729050.

ClinVar aggregate classification (germline): Uncertain significance. Review status: criteria provided, multiple submitters, no conflicts (2 of 4 stars). 2 submissions from 2 submitters: Uncertain significance (2). Last evaluated 2026-01-19.

Conditions:
Inborn genetic diseases. Identifiers: MedGen C0950123, MeSH D030342.

Allele frequency attached by ClinVar (database versions not stated): 1000 Genomes Project 30x 0.00031; 1000 Genomes Project 0.00040.
gnomAD v4.1: 35 of 1,613,462 alleles (0.0022%); highest among the groups gnomAD compares: Admixed American, 0.033%; no homozygotes.

Submissions (2):

Labcorp Genetics (formerly Invitae), Labcorp
Classification: Uncertain significance. Last evaluated: 2026-01-19. Review status: criteria provided, single submitter. Criteria: Invitae Variant Classification Sherloc (09022015). Collection method: clinical testing. Allele origin: germline.
Comment: This sequence change replaces proline, which is neutral and non-polar, with alanine, which is neutral and non-polar, at codon 11 of the SKIV2L protein (p.Pro11Ala). This variant is present in population databases (rs563036739, gnomAD 0.006%). This variant has not been reported in the literature in individuals affected with SKIV2L-related conditions. ClinVar contains an entry for this variant (Variation ID: 1484770). An algorithm developed to predict the effect of missense changes on protein structure and function (PolyPhen-2) suggests that this variant is likely to be tolerated. In summary, the available evidence is currently insufficient to determine the role of this variant in disease. Therefore, it has been classified as a Variant of Uncertain Significance.

Ambry Genetics
Classification: Uncertain significance for Inborn genetic diseases. Last evaluated: 2024-07-14. Review status: criteria provided, single submitter. Criteria: Ambry Variant Classification Scheme 2023. Collection method: clinical testing. Allele origin: germline.